The following is an entry in ClinVar:

ClinVar aggregate classification (germline): Likely benign. Review status: criteria provided, multiple submitters, no conflicts (2 of 4 stars). 4 submissions from 4 submitters: Likely benign (3). 1 of the submissions does not count toward it. Last evaluated 2025-02-16.

Conditions:
KIF11-related disorder. Also called: KIF11-related condition.

Allele frequency attached by ClinVar (database versions not stated): gnomAD 0.00001; gnomAD exomes 0.00001 and 0.00003; ExAC 0.00003; ESP Exome Variant Server 0.00008.
gnomAD v4.1: 21 of 1,551,854 alleles (0.0014%); highest among the groups gnomAD compares: Non-Finnish European, 0.0017%; no homozygotes.

Submissions (4):

Laboratory of Genetics, Children's Clinical University Hospital Latvia
Classification: Likely benign. Last evaluated: 2025-02-16. Review status: criteria provided, single submitter. Criteria: ACMG Guidelines, 2015. Collection method: clinical testing. Allele origin: germline. Affected: yes.

Labcorp Genetics (formerly Invitae), Labcorp
Classification: Likely benign. Last evaluated: 2024-05-13. Review status: criteria provided, single submitter. Criteria: Invitae Variant Classification Sherloc (09022015). Collection method: clinical testing. Allele origin: germline.

Blueprint Genetics
Classification: Likely benign. Last evaluated: 2023-02-23. Review status: criteria provided, single submitter. Criteria: ACMG Guidelines, 2015. Collection method: clinical testing. Allele origin: germline.

PreventionGenetics, part of Exact Sciences
Classification: Likely benign for KIF11-related condition. Last evaluated: 2020-02-19. Review status: no assertion criteria provided. Collection method: clinical testing. Allele origin: germline. Not counted in ClinVar's aggregate classification.
Comment: This variant is classified as likely benign based on ACMG/AMP sequence variant interpretation guidelines (Richards et al. 2015 PMID: 25741868, with internal and published modifications).

NM_004523.4(KIF11):c.573+8A>C

Gene: KIF11 (kinesin family member 11; plus strand). Cytogenetic location: 10q23.33.
Variant type: single nucleotide variant.
Coding change: c.573+8A>C on transcript NM_004523.4 (MANE Select); 8 bases into the intron after coding-DNA position 573, A replaced by C.
Molecular consequence: intron variant.
Genome position (GRCh38, 1-based): chr10:92,609,213, A>C. VCF-style: chr10-92609213-A-C. GRCh37 (hg19) VCF-style: chr10-94368970-A-C.
Other names: c.573+8A>C (NM_004523.3).
Identifiers: ClinVar variation 1123099 (VCV001123099.14), dbSNP rs369075345, ClinGen allele CA5604017.
Genomic context (GRCh38, chr10:92,609,213, plus strand): 5'-CATCATCTGATGTTTCTGAGAGACTACAGATGTTTGATGATCCCCGTAACAAGGTAATTC[A>C]GTCTTTGAGAATGAAATGTCTCTGAATTTTAATGTGTGAGGCTTTGAGAAGTCAGAGAGA-3'